The following is an entry in ClinVar:

NM_006031.6(PCNT):c.4447G>A (p.Glu1483Lys)

Gene: PCNT (pericentrin; plus strand). Cytogenetic location: 21q22.3.
Variant type: single nucleotide variant.
Coding change: c.4447G>A on transcript NM_006031.6 (MANE Select); coding-DNA position 4447, G replaced by A.
Protein change: p.Glu1483Lys; replaces glutamic acid 1483 with lysine.
Molecular consequence: missense variant.
Genome position (GRCh38, 1-based): chr21:46,398,014, G>A. VCF-style: chr21-46398014-G-A. GRCh37 (hg19) VCF-style: chr21-47817928-G-A.
Other names: c.4093G>A, p.Glu1365Lys (NM_001315529.2); short protein forms E1365K, E1483K.
Identifiers: ClinVar variation 3349367 (VCV003349367.1).
Genomic context (GRCh38, chr21:46,398,014, plus strand): 5'-CGCTGCAAGGGGCACGCCAGCCCCGTTGGGGTGGTCCCAACACGCTGCCTCTCCTCCCAG[G>A]AGCAGGCAGCCGAGCGGGAGCACGAGCGCGAGGAGTTCCAGCAGGAGATTCAGAGGCTGG-3'
Protein context (NP_006022.3, residues 1473-1493): HLRNQRQFMD[Glu1483Lys]QAAEREHERE

ClinVar aggregate classification (germline): Uncertain significance (0 of 4 stars; one submission).

Conditions:
PCNT-related disorder. Also called: PCNT-related condition.

gnomAD v4.1: 14 of 1,580,874 alleles (0.00089%); highest among the groups gnomAD compares: Non-Finnish European, 0.0012%; no homozygotes.

Submission:

PreventionGenetics, part of Exact Sciences
Classification: Uncertain significance for PCNT-related condition. Last evaluated: 2024-01-05. Review status: no assertion criteria provided. Collection method: clinical testing. Allele origin: germline.
Comment: The PCNT c.4447G>A variant is predicted to result in the amino acid substitution p.Glu1483Lys. To our knowledge, this variant has not been reported in the literature. This variant is reported in 0.0012% of alleles in individuals of European (Non-Finnish) descent in gnomAD. At this time, the clinical significance of this variant is uncertain due to the absence of conclusive functional and genetic evidence.